The following is an entry in ClinVar:

ClinVar aggregate classification (germline): Uncertain significance (1 of 4 stars; one submission).

Conditions:
Glycogen storage disease due to muscle beta-enolase deficiency (GSD13). Also called: ENOLASE 3 DEFICIENCY; ENOLASE-BETA DEFICIENCY; GSD XIII; Glycogen Storage Disease Type XIII. Identifiers: Orphanet 99849, MedGen C2752027, MONDO:0013046, OMIM 612932.

Allele frequency attached by ClinVar (database versions not stated): gnomAD exomes 0.00001; TOPMed 0.00001.
gnomAD v4.1: 19 of 1,614,184 alleles (0.0012%); highest among the groups gnomAD compares: East Asian, 0.0045%; no homozygotes.

Submission:

Labcorp Genetics (formerly Invitae), Labcorp
Classification: Uncertain significance for Glycogen storage disease due to muscle beta-enolase deficiency. Last evaluated: 2022-01-28. Review status: criteria provided, single submitter. Criteria: Invitae Variant Classification Sherloc (09022015). Collection method: clinical testing. Allele origin: germline.
Comment: In summary, the available evidence is currently insufficient to determine the role of this variant in disease. Therefore, it has been classified as a Variant of Uncertain Significance. Algorithms developed to predict the effect of missense changes on protein structure and function are either unavailable or do not agree on the potential impact of this missense change (SIFT: "Deleterious"; PolyPhen-2: "Probably Damaging"; Align-GVGD: "Class C0"). This variant has not been reported in the literature in individuals affected with ENO3-related conditions. This variant is present in population databases (no rsID available, gnomAD 0.003%). This sequence change replaces serine, which is neutral and polar, with leucine, which is neutral and non-polar, at codon 401 of the ENO3 protein (p.Ser401Leu).

NM_053013.4(ENO3):c.1202C>T (p.Ser401Leu)

Gene: ENO3 (enolase 3; plus strand). Cytogenetic location: 17p13.2.
Variant type: single nucleotide variant.
Coding change: c.1202C>T on transcript NM_053013.4 (MANE Select); coding-DNA position 1202, C replaced by T.
Protein change: p.Ser401Leu; replaces serine 401 with leucine.
Molecular consequence: missense variant.
Genome position (GRCh38, 1-based): chr17:4,956,856, C>T. VCF-style: chr17-4956856-C-T. GRCh37 (hg19) VCF-style: chr17-4860151-C-T.
Other names: c.1073C>T, p.Ser358Leu (NM_001193503.2); c.1202C>T, p.Ser401Leu (NM_001374523.1, NM_001976.5); c.1229C>T, p.Ser410Leu (NM_001374524.1); short protein forms S358L, S410L, S401L.
Identifiers: ClinVar variation 1949449 (VCV001949449.3), dbSNP rs938423298, ClinGen allele CA287177729.